The following is an entry in ClinVar:

ClinVar aggregate classification (germline): Conflicting classifications of pathogenicity. Review status: criteria provided, conflicting classifications (1 of 4 stars). 8 submissions from 4 submitters: Uncertain significance (5); Likely benign (3). Last evaluated 2025-10-07.

Conditions:
Dilated cardiomyopathy 1G (CMD1G). Identifiers: Orphanet 154, MedGen C1858763, MONDO:0011400, OMIM 604145.
Autosomal recessive limb-girdle muscular dystrophy type 2J (LGMDR10). Also called: Limb-girdle muscular dystrophy, type 2J; MUSCULAR DYSTROPHY, LIMB-GIRDLE, AUTOSOMAL RECESSIVE 10. Identifiers: Orphanet 140922, MedGen C1837342, MONDO:0012127, OMIM 608807.
Myopathy, myofibrillar, 9, with early respiratory failure (MFM9). Also called: Hereditary myopathy with early respiratory failure; MYOPATHY, PROXIMAL, WITH EARLY RESPIRATORY MUSCLE INVOLVEMENT; EDSTROM MYOPATHY; Myopathy, distal, with early respiratory failure, autosomal dominant. Identifiers: Orphanet 178464, Orphanet 34521, MedGen C1863599, MONDO:0011362, OMIM 603689.
Tibial muscular dystrophy (TMD). Also called: UDD MYOPATHY; Tibial muscular dystrophy, tardive; Udd Distal Myopathy – Tibial Muscular Dystrophy. Identifiers: Orphanet 609, MedGen C1838244, MONDO:0010870, OMIM 600334.
Early-onset myopathy with fatal cardiomyopathy (CMYO5). Also called: CONGENITAL MYOPATHY 5 WITH CARDIOMYOPATHY; Salih Myopathy. Identifiers: Orphanet 289377, MedGen C2673677, MONDO:0012714, OMIM 611705. Disease mechanism: loss of function.

Allele frequency attached by ClinVar (database versions not stated): gnomAD exomes 0.00001 and 0.00002; TOPMed 0.00004; gnomAD 0.00005 and 0.00006.
gnomAD v4.1: 36 of 1,610,688 alleles (0.0022%); highest among the groups gnomAD compares: Non-Finnish European, 0.003%; no homozygotes.

Submissions (8):

Labcorp Genetics (formerly Invitae), Labcorp
Classification: Likely benign for Dilated cardiomyopathy 1G; Autosomal recessive limb-girdle muscular dystrophy type 2J. Last evaluated: 2025-10-07. Review status: criteria provided, single submitter. Criteria: Invitae Variant Classification Sherloc (09022015). Collection method: clinical testing. Allele origin: germline.

CeGaT Center for Human Genetics Tuebingen
Classification: Likely benign. Last evaluated: 2023-12-01. Review status: criteria provided, single submitter. Criteria: CeGaT Center For Human Genetics Tuebingen Variant Classification Criteria Version 2. Collection method: clinical testing. Allele origin: germline. Affected: yes. Observed: 1 variant allele.
Comment: TTN: BP4, BP7

Illumina Laboratory Services, Illumina
Classification: Uncertain significance for Dilated cardiomyopathy 1G. Last evaluated: 2018-01-13. Review status: criteria provided, single submitter. Criteria: ICSL Variant Classification Criteria 13 December 2019. Collection method: clinical testing. Allele origin: germline.

Illumina Laboratory Services, Illumina
Classification: Uncertain significance for Myopathy, myofibrillar, 9, with early respiratory failure. Last evaluated: 2018-01-13. Review status: criteria provided, single submitter. Criteria: ICSL Variant Classification Criteria 13 December 2019. Collection method: clinical testing. Allele origin: germline.

Illumina Laboratory Services, Illumina
Classification: Uncertain significance for Tibial muscular dystrophy. Last evaluated: 2018-01-13. Review status: criteria provided, single submitter. Criteria: ICSL Variant Classification Criteria 13 December 2019. Collection method: clinical testing. Allele origin: germline.

Illumina Laboratory Services, Illumina
Classification: Uncertain significance for Autosomal recessive limb-girdle muscular dystrophy type 2J. Last evaluated: 2018-01-13. Review status: criteria provided, single submitter. Criteria: ICSL Variant Classification Criteria 13 December 2019. Collection method: clinical testing. Allele origin: germline.

Illumina Laboratory Services, Illumina
Classification: Uncertain significance for Early-onset myopathy with fatal cardiomyopathy. Last evaluated: 2018-01-13. Review status: criteria provided, single submitter. Criteria: ICSL Variant Classification Criteria 13 December 2019. Collection method: clinical testing. Allele origin: germline.

Laboratory for Molecular Medicine, Mass General Brigham Personalized Medicine
Classification: Likely benign. Last evaluated: 2014-08-13. Review status: criteria provided, single submitter. Criteria: LMM Criteria. Collection method: clinical testing. Allele origin: germline. Observed: 1 variant allele.
Comment: Gly7761Gly in exon 90 of TTN: This variant is not expected to have clinical sign ificance because it does not alter an amino acid residue and is not located with in the splice consensus sequence.

NM_001267550.2(TTN):c.27015T>C (p.Gly9005=)

Gene: TTN (titin; minus strand). Cytogenetic location: 2q31.2.
Variant type: single nucleotide variant.
Coding change: c.27015T>C on transcript NM_001267550.2 (MANE Select); coding-DNA position 27015, T replaced by C.
Protein change: p.Gly9005=; no amino-acid change (glycine 9005 retained).
Molecular consequence: synonymous variant. On other transcripts: intron variant (3).
Genome position (GRCh38, 1-based): chr2:178,713,119, A>G on the plus strand (T>C on the coding strand, the complement: TTN is on the minus strand). VCF-style: chr2-178713119-A-G. GRCh37 (hg19) VCF-style: chr2-179577846-A-G.
Other names: c.26064T>C, p.Gly8688= (NM_001256850.1); c.13282+24963T>C (NM_003319.4); c.13858+24963T>C (NM_133437.4); c.13657+24963T>C (NM_133432.3); c.23283T>C, p.Gly7761= (NM_133378.4).
Identifiers: ClinVar variation 166141 (VCV000166141.39), dbSNP rs727503643, ClinGen allele CA178946.